The following is an entry in ClinVar:

ClinVar aggregate classification (germline): Uncertain significance (1 of 4 stars; one submission).

Conditions:
Medium-chain acyl-coenzyme A dehydrogenase deficiency (ACADMD). Also called: MCADH DEFICIENCY; MCADD; MCAD Deficiency; ACADM DEFICIENCY; CARNITINE DEFICIENCY SECONDARY TO MEDIUM-CHAIN ACYL-CoA DEHYDROGENASE DEFICIENCY; Medium chain acyl-CoA dehydrogenase deficiency. Identifiers: Orphanet 42, MedGen C0220710, MONDO:0008721, OMIM 201450.

Submission:

Labcorp Genetics (formerly Invitae), Labcorp
Classification: Uncertain significance for Medium-chain acyl-coenzyme A dehydrogenase deficiency. Last evaluated: 2024-06-25. Review status: criteria provided, single submitter. Criteria: Invitae Variant Classification Sherloc (09022015). Collection method: clinical testing. Allele origin: germline.
Comment: This sequence change replaces glycine, which is neutral and non-polar, with cysteine, which is neutral and slightly polar, at codon 402 of the ACADM protein (p.Gly402Cys). This variant is not present in population databases (gnomAD no frequency). This variant has not been reported in the literature in individuals affected with ACADM-related conditions. Advanced modeling of protein sequence and biophysical properties (such as structural, functional, and spatial information, amino acid conservation, physicochemical variation, residue mobility, and thermodynamic stability) performed at Invitae indicates that this missense variant is expected to disrupt ACADM protein function with a positive predictive value of 80%. This variant disrupts the p.Gly402 amino acid residue in ACADM. Other variant(s) that disrupt this residue have been determined to be pathogenic (PMID: 20434380; Invitae). This suggests that this residue is clinically significant, and that variants that disrupt this residue are likely to be disease-causing. In summary, the available evidence is currently insufficient to determine the role of this variant in disease. Therefore, it has been classified as a Variant of Uncertain Significance.

Literature cited by the submitters: PubMed 20434380.

NM_000016.6(ACADM):c.1204G>T (p.Gly402Cys)

Gene: ACADM (acyl-CoA dehydrogenase medium chain; plus strand). Cytogenetic location: 1p31.1.
Variant type: single nucleotide variant.
Coding change: c.1204G>T on transcript NM_000016.6 (MANE Select); coding-DNA position 1204, G replaced by T.
Protein change: p.Gly402Cys; replaces glycine 402 with cysteine.
Molecular consequence: missense variant.
Genome position (GRCh38, 1-based): chr1:75,762,701, G>T. VCF-style: chr1-75762701-G-T. GRCh37 (hg19) VCF-style: chr1-76228386-G-T.
Other names: c.1216G>T, p.Gly406Cys (NM_001127328.3); c.1096G>T, p.Gly366Cys (NM_001286042.2); c.1303G>T, p.Gly435Cys (NM_001286043.2); c.637G>T, p.Gly213Cys (NM_001286044.2); short protein forms G366C, G406C, G402C, G435C, G213C.
Identifiers: ClinVar variation 3657852 (VCV003657852.2).
Genomic context (GRCh38, chr1:75,762,701, plus strand): 5'-AAGTATTTATGTACTAAAGATATTTAACCTACACTTATATTTTTCTTGCAGATTTATGAA[G>T]GTACTTCACAAATTCAAAGACTTATTGTAGCCCGTGAACACATTGACAAGTACAAAAATT-3'
Protein context (NP_000007.1, residues 392-412): RDAKIYQIYE[Gly402Cys]TSQIQRLIVA